The following is an entry in ClinVar:

ClinVar aggregate classification (germline): Uncertain significance (1 of 4 stars; one submission).

Conditions:
ALG6-congenital disorder of glycosylation 1C (CDG1C). Also called: CDG Ic; CARBOHYDRATE-DEFICIENT GLYCOPROTEIN SYNDROME, TYPE I, WITH DEFICIENT GLYCOSYLATION OF DOLICHOL-LINKED OLIGOSACCHARIDE; CARBOHYDRATE-DEFICIENT GLYCOPROTEIN SYNDROME, TYPE V; Congenital disorder of glycosylation type 1C; Congenital disorder of glycosylation, type Ic. Identifiers: Orphanet 79320, MedGen C2930997, MONDO:0011291, OMIM 603147.

Submission:

Labcorp Genetics (formerly Invitae), Labcorp
Classification: Uncertain significance for ALG6-congenital disorder of glycosylation 1C. Last evaluated: 2022-01-16. Review status: criteria provided, single submitter. Criteria: Invitae Variant Classification Sherloc (09022015). Collection method: clinical testing. Allele origin: germline.
Comment: This sequence change replaces serine, which is neutral and polar, with proline, which is neutral and non-polar, at codon 139 of the ALG6 protein (p.Ser139Pro). This variant is not present in population databases (gnomAD no frequency). This variant has not been reported in the literature in individuals affected with ALG6-related conditions. Algorithms developed to predict the effect of missense changes on protein structure and function are either unavailable or do not agree on the potential impact of this missense change (SIFT: "Tolerated"; PolyPhen-2: "Possibly Damaging"; Align-GVGD: "Class C0"). In summary, the available evidence is currently insufficient to determine the role of this variant in disease. Therefore, it has been classified as a Variant of Uncertain Significance.

NM_013339.4(ALG6):c.415T>C (p.Ser139Pro)

Gene: ALG6 (ALG6 alpha-1,3-glucosyltransferase; plus strand). Cytogenetic location: 1p31.3.
Variant type: single nucleotide variant.
Coding change: c.415T>C on transcript NM_013339.4 (MANE Select); coding-DNA position 415, T replaced by C.
Protein change: p.Ser139Pro; replaces serine 139 with proline.
Molecular consequence: missense variant.
Genome position (GRCh38, 1-based): chr1:63,406,385, T>C. VCF-style: chr1-63406385-T-C. GRCh37 (hg19) VCF-style: chr1-63872056-T-C.
Other names: short protein forms S139P.
Identifiers: ClinVar variation 2086086 (VCV002086086.4), dbSNP rs2523735576, ClinGen allele CA340634616.
Genomic context (GRCh38, chr1:63,406,385, plus strand): 5'-GCTGATCTGCTGATTTACATACCTGCAGTGGTTTTGTACTGTTGTTGCTTAAAAGAAATC[T>C]CAACTAAGAAAAAGGTAGGTTTTCAAGCAGCCTGACAGTTCGTCTCTGAAATGTATTCTT-3'
Protein context (NP_037471.2, residues 129-149): VLYCCCLKEI[Ser139Pro]TKKKIANALC